The following is an entry in ClinVar:

NM_004360.5(CDH1):c.2T>A (p.Met1Lys)

Gene: CDH1 (cadherin 1; plus strand). Cytogenetic location: 16q22.1.
Variant type: single nucleotide variant.
Coding change: c.2T>A on transcript NM_004360.5 (MANE Select); coding-DNA position 2, T replaced by A.
Protein change: p.Met1Lys; changes the start codon (methionine 1).
Molecular consequence: missense variant, initiator codon variant. On other transcripts: 5 prime UTR variant (2).
Genome position (GRCh38, 1-based): chr16:68,737,417, T>A. VCF-style: chr16-68737417-T-A. GRCh37 (hg19) VCF-style: chr16-68771320-T-A.
Other names: NM_001317186.2:c.-1818T>A; c.2T>A, p.Met1Lys (NM_001317184.2); c.-1614T>A (NM_001317185.2); c.-1818T>A (NM_001317186.2); short protein forms M1K.
Identifiers: ClinVar variation 1292057 (VCV001292057.2), dbSNP rs1555509623, ClinGen allele CA396451188.

ClinVar aggregate classification (germline): Pathogenic (3 of 4 stars; one submission).

Conditions:
CDH1-related diffuse gastric and lobular breast cancer syndrome. Also called: CDH1-related diffuse gastric and lobular breast cancer. Identifiers: MedGen CN311521, MONDO:0100488.

Submission:

Clingen Gastric Cancer Variant Curation Expert Panel
Classification: Pathogenic for CDH1-related diffuse gastric and lobular breast cancer syndrome. Last evaluated: 2023-08-25. Review status: reviewed by expert panel. Criteria: ClinGen CDH1 ACMG Specifications V3.1. Collection method: curation. Allele origin: germline. Inheritance: Autosomal dominant inheritance.
Comment: The c.2T>A (p.Met1?) variant alters the start codon of the CDH1 coding sequence and is predicted to lead to an absent protein (PVS1). This variant is absent in the gnomAD cohort (PM2_supporting). This variant has been reported in at least one proband meeting HDGC clinical criteria (PS4_supporting; Internal laboratory contributor). In summary, this variant meets criteria to be classified as pathogenic based on the ACMG/AMP Variant Interpretation Guidelines Version 3.1 as specified by the CDH1 Variant Curation Expert Panel: PVS1, PM2_supporting, PS4_supporting.